The following is an entry in ClinVar:

ClinVar aggregate classification (germline): Conflicting classifications of pathogenicity. Review status: criteria provided, conflicting classifications (1 of 4 stars). 3 submissions from 3 submitters: Uncertain significance (2); Likely benign (1). Last evaluated 2023-09-26.

Conditions:
Hereditary cancer-predisposing syndrome. Also called: Hereditary Cancer Syndrome; Hereditary neoplastic syndrome; Neoplastic Syndromes, Hereditary; Tumor predisposition. Identifiers: Orphanet 140162, MedGen C0027672, MeSH D009386, MONDO:0015356.
Hereditary breast ovarian cancer syndrome. Also called: Hereditary breast and ovarian cancer syndrome; Hereditary breast and ovarian cancer syndrome (HBOC); Breast and ovarian cancer; Hereditary breast and ovarian cancer; Hereditary breast and/or ovarian cancer syndrome; BRCA1- and BRCA2-Associated Hereditary Breast and Ovarian Cancer. Identifiers: Orphanet 145, MedGen C0677776, MeSH D061325, MONDO:0003582. Disease mechanism: loss of function.

Submissions (3):

Labcorp Genetics (formerly Invitae), Labcorp
Classification: Uncertain significance for Hereditary breast ovarian cancer syndrome. Last evaluated: 2023-09-26. Review status: criteria provided, single submitter. Criteria: Invitae Variant Classification Sherloc (09022015). Collection method: clinical testing. Allele origin: germline.
Comment: This sequence change replaces lysine, which is basic and polar, with isoleucine, which is neutral and non-polar, at codon 1828 of the BRCA2 protein (p.Lys1828Ile). This variant is not present in population databases (gnomAD no frequency). This variant has not been reported in the literature in individuals affected with BRCA2-related conditions. ClinVar contains an entry for this variant (Variation ID: 1686517). Advanced modeling of protein sequence and biophysical properties (such as structural, functional, and spatial information, amino acid conservation, physicochemical variation, residue mobility, and thermodynamic stability) performed at Invitae indicates that this missense variant is not expected to disrupt BRCA2 protein function. In summary, the available evidence is currently insufficient to determine the role of this variant in disease. Therefore, it has been classified as a Variant of Uncertain Significance.

University of Washington Department of Laboratory Medicine, University of Washington
Classification: Likely benign for Hereditary cancer-predisposing syndrome. Last evaluated: 2023-03-23. Review status: criteria provided, single submitter. Criteria: Dines et al. (Genet Med. 2020). Collection method: curation. Allele origin: germline.
Comment: Missense variant in a coldspot region where missense variants are very unlikely to be pathogenic (PMID:31911673).

BRCA2 exon 11 coldspot. Reclassification based on statistical prior probability.

Mendelics
Classification: Uncertain significance. Last evaluated: 2022-05-04. Review status: criteria provided, single submitter. Criteria: Mendelics Assertion Criteria 2019. Collection method: clinical testing. Allele origin: germline.

NM_000059.4(BRCA2):c.5483A>T (p.Lys1828Ile)

Gene: BRCA2 (BRCA2 DNA repair associated; plus strand). Cytogenetic location: 13q13.1.
Variant type: single nucleotide variant.
Coding change: c.5483A>T on transcript NM_000059.4 (MANE Select); coding-DNA position 5483, A replaced by T.
Protein change: p.Lys1828Ile; replaces lysine 1828 with isoleucine.
Molecular consequence: missense variant.
Genome position (GRCh38, 1-based): chr13:32,339,838, A>T. VCF-style: chr13-32339838-A-T. GRCh37 (hg19) VCF-style: chr13-32913975-A-T.
Other names: short protein forms K1828I.
Identifiers: ClinVar variation 1686517 (VCV001686517.6), dbSNP rs879255459, ClinGen allele CA387785729.
Genomic context (GRCh38, chr13:32,339,838, plus strand): 5'-TTTGCGTTGAGGAACTTGTGACTAGCTCTTCACCCTGCAAAAATAAAAATGCAGCCATTA[A>T]ATTGTCCATATCTAATAGTAATAATTTTGAGGTAGGGCCACCTGCATTTAGGATAGCCAG-3'
Protein context (NP_000050.3, residues 1818-1838): SPCKNKNAAI[Lys1828Ile]LSISNSNNFE